The following is an entry in ClinVar:

ClinVar aggregate classification (germline): Uncertain significance. Review status: criteria provided, multiple submitters, no conflicts (2 of 4 stars). 2 submissions from 2 submitters: Uncertain significance (2). Last evaluated 2022-11-01.

Conditions:
Sucrase-isomaltase deficiency (CSID). Also called: SI DEFICIENCY; Deficiency of isomaltase; Congenital sucrose isomaltose malabsorption; Sucrose isomaltose enzyme deficiency. Identifiers: Orphanet 35122, MedGen C1283620, MONDO:0009114, OMIM 222900.

Allele frequency attached by ClinVar (database versions not stated): gnomAD exomes below 0.00001; ExAC 0.00001; gnomAD 0.00001; TOPMed 0.00002.
gnomAD v4.1: 9 of 1,612,390 alleles (0.00056%); highest among the groups gnomAD compares: Non-Finnish European, 0.00076%; no homozygotes.

Submissions (2):

Labcorp Genetics (formerly Invitae), Labcorp
Classification: Uncertain significance. Last evaluated: 2022-11-01. Review status: criteria provided, single submitter. Criteria: Invitae Variant Classification Sherloc (09022015). Collection method: clinical testing. Allele origin: germline.
Comment: This variant has not been reported in the literature in individuals affected with SI-related conditions. This sequence change replaces threonine, which is neutral and polar, with alanine, which is neutral and non-polar, at codon 1180 of the SI protein (p.Thr1180Ala). This variant is present in population databases (rs753519683, gnomAD 0.0009%). ClinVar contains an entry for this variant (Variation ID: 1358232). In summary, the available evidence is currently insufficient to determine the role of this variant in disease. Therefore, it has been classified as a Variant of Uncertain Significance. Algorithms developed to predict the effect of missense changes on protein structure and function output the following: SIFT: "Tolerated"; PolyPhen-2: "Benign"; Align-GVGD: "Class C0". The alanine amino acid residue is found in multiple mammalian species, which suggests that this missense change does not adversely affect protein function.

Fulgent Genetics
Classification: Uncertain significance for Sucrase-isomaltase deficiency. Last evaluated: 2022-03-31. Review status: criteria provided, single submitter. Criteria: ACMG Guidelines, 2015. Collection method: clinical testing. Allele origin: unknown.

NM_001041.4(SI):c.3538A>G (p.Thr1180Ala)

Gene: SI (sucrase-isomaltase; minus strand). Cytogenetic location: 3q26.1.
Variant type: single nucleotide variant.
Coding change: c.3538A>G on transcript NM_001041.4 (MANE Select); coding-DNA position 3538, A replaced by G.
Protein change: p.Thr1180Ala; replaces threonine 1180 with alanine.
Molecular consequence: missense variant.
Genome position (GRCh38, 1-based): chr3:165,017,856, T>C on the plus strand (A>G on the coding strand, the complement: SI is on the minus strand). VCF-style: chr3-165017856-T-C. GRCh37 (hg19) VCF-style: chr3-164735644-T-C.
Other names: short protein forms T1180A.
Identifiers: ClinVar variation 1358232 (VCV001358232.9), dbSNP rs753519683, ClinGen allele CA2690226.